The following is an entry in ClinVar:

ClinVar aggregate classification (germline): Likely benign (1 of 4 stars; one submission).

Conditions:
ZFYVE19-related disorder. Also called: ZFYVE19-related condition.

gnomAD v4.1: 11 of 1,298,324 alleles (0.00085%); highest among the groups gnomAD compares: South Asian, 0.0092%; no homozygotes.

Submission:

PreventionGenetics, part of Exact Sciences
Classification: Likely benign for ZFYVE19-related condition. Last evaluated: 2026-07-21. Review status: criteria provided, single submitter. Criteria: ACMG Guidelines, 2015. Collection method: clinical testing. Allele origin: germline.
Comment: This variant is classified as likely benign based on ACMG/AMP sequence variant interpretation guidelines (Richards et al. 2015 PMID: 25741868, with internal and published modifications).

NM_001077268.2(ZFYVE19):c.132A>C (p.Gly44=)

Gene: ZFYVE19 (zinc finger FYVE-type containing 19; plus strand). Cytogenetic location: 15q15.1.
Variant type: single nucleotide variant.
Coding change: c.132A>C on transcript NM_001077268.2 (MANE Select); coding-DNA position 132, A replaced by C.
Protein change: p.Gly44=; no amino-acid change (glycine 44 retained).
Molecular consequence: synonymous variant. On other transcripts: intron variant (2).
Genome position (GRCh38, 1-based): chr15:40,807,721, A>C. VCF-style: chr15-40807721-A-C. GRCh37 (hg19) VCF-style: chr15-41099919-A-C.
Other names: c.132A>C, p.Gly44= (NM_001258420.2); c.-247+50A>C (NM_001258421.2); c.125+308A>C (NM_032850.5).
Identifiers: ClinVar variation 4990260 (VCV004990260.1).
Genomic context (GRCh38, chr15:40,807,721, plus strand): 5'-CCCTGCTCTAGGTCGCGGCGGGACAGTGCCAGTGGGCGTGTGGGGCGGGGCAGGGCAGGG[A>C]AGGGAAGGGCGGAGCTGGGGTGAGGGTCCAAGGGGCCCAGGACTTGGCCGGCGTGATCTC-3'
Protein context (NP_001070736.1, residues 34-54): PVGVWGGAGQ[Gly44=]REGRSWGEGP